The following is an entry in ClinVar:

NM_022455.5(NSD1):c.4454A>G (p.Lys1485Arg)

Gene: NSD1 (nuclear receptor binding SET domain protein 1; plus strand). Cytogenetic location: 5q35.3.
Variant type: single nucleotide variant.
Coding change: c.4454A>G on transcript NM_022455.5 (MANE Select); coding-DNA position 4454, A replaced by G.
Protein change: p.Lys1485Arg; replaces lysine 1485 with arginine.
Molecular consequence: missense variant.
Genome position (GRCh38, 1-based): chr5:177,246,753, A>G. VCF-style: chr5-177246753-A-G. GRCh37 (hg19) VCF-style: chr5-176673754-A-G.
Other names: c.3581A>G, p.Lys1194Arg (NM_001365684.2, NM_001409306.1, NM_001409307.1 and 3 more transcripts); c.4454A>G, p.Lys1485Arg (NM_001409301.1, NM_001409302.1, NM_001409303.1); c.4034A>G, p.Lys1345Arg (NM_001409304.1); c.3701A>G, p.Lys1234Arg (NM_001409305.1); short protein forms K1345R, K1194R, K1234R, K1485R.
Identifiers: ClinVar variation 3718147 (VCV003718147.2).

ClinVar aggregate classification (germline): Uncertain significance (1 of 4 stars; one submission).

gnomAD v4.1: 3 of 1,614,016 alleles (0.00019%); highest among the groups gnomAD compares: East Asian, 0.0045%; no homozygotes.

Submission:

Labcorp Genetics (formerly Invitae), Labcorp
Classification: Uncertain significance. Last evaluated: 2024-04-02. Review status: criteria provided, single submitter. Criteria: Invitae Variant Classification Sherloc (09022015). Collection method: clinical testing. Allele origin: germline.
Comment: This sequence change replaces lysine, which is basic and polar, with arginine, which is basic and polar, at codon 1485 of the NSD1 protein (p.Lys1485Arg). This variant is not present in population databases (gnomAD no frequency). This variant has not been reported in the literature in individuals affected with NSD1-related conditions. Algorithms developed to predict the effect of missense changes on protein structure and function output the following: SIFT: "Not Available"; PolyPhen-2: "Benign"; Align-GVGD: "Not Available". The arginine amino acid residue is found in multiple mammalian species, which suggests that this missense change does not adversely affect protein function. In summary, the available evidence is currently insufficient to determine the role of this variant in disease. Therefore, it has been classified as a Variant of Uncertain Significance.